The following is an entry in ClinVar:

ClinVar aggregate classification (germline): Benign/Likely benign. Review status: criteria provided, multiple submitters, no conflicts (2 of 4 stars). 13 submissions from 13 submitters: Benign (6); Likely benign (5). 2 of the submissions do not count toward it. Last evaluated 2026-08-01.

Conditions:
PLEKHG5-related disorder. Also called: PLEKHG5-related condition.
Inborn genetic diseases. Identifiers: MedGen C0950123, MeSH D030342.
Charcot-Marie-Tooth disease recessive intermediate C. Also called: CHARCOT-MARIE-TOOTH NEUROPATHY, RECESSIVE INTERMEDIATE C. Identifiers: Orphanet 369867, MedGen C3809309, MONDO:0014154, OMIM 615376.
Neuronopathy, distal hereditary motor, autosomal recessive 4. Also called: Autosomal recessive lower motor neuron disease with childhood onset; NEUROPATHY, DISTAL HEREDITARY MOTOR, AUTOSOMAL RECESSIVE 4. Identifiers: Orphanet 206580, MedGen C1970211, MONDO:0012608, OMIM 611067.

Allele frequency attached by ClinVar (database versions not stated): 1000 Genomes Project 30x 0.00141; 1000 Genomes Project 0.00180; ESP Exome Variant Server 0.00316; TOPMed 0.00354; gnomAD 0.00397 and 0.00411; ExAC 0.00461.
gnomAD v4.1: 7,418 of 1,610,552 alleles (0.46%); highest among the groups gnomAD compares: Non-Finnish European, 0.49%; 28 homozygotes.

Submissions (13):

CeGaT Center for Human Genetics Tuebingen
Classification: Likely benign. Last evaluated: 2026-08-01. Review status: criteria provided, single submitter. Criteria: CeGaT Center For Human Genetics Tuebingen Variant Classification Criteria Version 2. Collection method: clinical testing. Allele origin: germline. Affected: yes. Observed: 24 variant alleles.
Comment: PLEKHG5: BP4, BP7, BS2

Labcorp Genetics (formerly Invitae), Labcorp
Classification: Benign for Neuronopathy, distal hereditary motor, autosomal recessive 4; Charcot-Marie-Tooth disease recessive intermediate C. Last evaluated: 2026-02-04. Review status: criteria provided, single submitter. Criteria: Invitae Variant Classification Sherloc (09022015). Collection method: clinical testing. Allele origin: germline.

ARUP Laboratories, Molecular Genetics and Genomics, ARUP Laboratories
Classification: Benign. Last evaluated: 2025-05-23. Review status: criteria provided, single submitter. Criteria: ARUP Molecular Germline Variant Investigation Process 2024. Collection method: clinical testing. Allele origin: germline.

PreventionGenetics, part of Exact Sciences
Classification: Benign for PLEKHG5-related condition. Last evaluated: 2025-02-06. Review status: criteria provided, single submitter. Criteria: ACMG Guidelines, 2015. Collection method: clinical testing. Allele origin: germline.
Comment: This variant is classified as benign based on ACMG/AMP sequence variant interpretation guidelines (Richards et al. 2015 PMID: 25741868, with internal and published modifications).

Blueprint Genetics
Classification: Likely benign. Last evaluated: 2024-11-22. Review status: criteria provided, single submitter. Criteria: ACMG Guidelines, 2015. Collection method: clinical testing. Allele origin: germline.

Mayo Clinic Laboratories, Mayo Clinic
Classification: Benign. Last evaluated: 2021-07-26. Review status: criteria provided, single submitter. Criteria: ACMG Guidelines, 2015. Collection method: clinical testing. Allele origin: germline. Observed: 23 variant alleles.

Ambry Genetics
Classification: Likely benign for Inborn genetic diseases. Last evaluated: 2019-07-11. Review status: criteria provided, single submitter. Criteria: Ambry Variant Classification Scheme 2023. Collection method: clinical testing. Allele origin: germline.

Illumina Laboratory Services, Illumina
Classification: Likely benign for Neuronopathy, distal hereditary motor, autosomal recessive 4. Last evaluated: 2018-01-13. Review status: criteria provided, single submitter. Criteria: ICSL Variant Classification Criteria 13 December 2019. Collection method: clinical testing. Allele origin: germline.
Comment: This variant was observed in the ICSL laboratory as part of a predisposition screen in an ostensibly healthy population. It had not been previously curated by ICSL or reported in the Human Gene Mutation Database (HGMD: prior to June 1st, 2018), and was therefore a candidate for classification through an automated scoring system. Utilizing variant allele frequency, disease prevalence and penetrance estimates, and inheritance mode, an automated score was calculated to assess if this variant is too frequent to cause the disease. Based on the score and internal cut-off values, a variant classified as likely benign is not then subjected to further curation. The score for this variant resulted in a classification of likely benign for this disease.

Eurofins Ntd Llc (ga)
Classification: Benign. Last evaluated: 2015-07-02. Review status: criteria provided, single submitter. Criteria: EGL Classification Definitions 2015. Collection method: clinical testing. Allele origin: germline. Observed: 1 variant allele, 1 heterozygote.

GeneDx
Classification: Benign. Last evaluated: 2015-03-03. Review status: criteria provided, single submitter. Criteria: GeneDx Variant Classification Process June 2021. Collection method: clinical testing. Allele origin: germline. Affected: yes.

Breakthrough Genomics
Classification: Likely benign. Review status: criteria provided, single submitter. Criteria: ACMG Guidelines, 2015. Collection method: not provided. Allele origin: germline. Inheritance: Autosomal recessive inheritance. Affected: yes.

Clinical Genetics DNA and cytogenetics Diagnostics Lab, Erasmus MC, Erasmus Medical Center
Classification: Likely benign. Review status: no assertion criteria provided. Collection method: clinical testing. Allele origin: germline. Affected: yes. Study: VKGL Data-share Consensus. Not counted in ClinVar's aggregate classification.

Clinical Genetics, Academic Medical Center
Classification: Benign. Review status: no assertion criteria provided. Collection method: clinical testing. Allele origin: germline. Affected: yes. Study: VKGL Data-share Consensus. Not counted in ClinVar's aggregate classification.

NM_020631.6(PLEKHG5):c.1254C>G (p.Pro418=)

Gene: PLEKHG5 (pleckstrin homology and RhoGEF domain containing G5; minus strand). Cytogenetic location: 1p36.31.
Variant type: single nucleotide variant.
Coding change: c.1254C>G on transcript NM_020631.6 (MANE Select); coding-DNA position 1254, C replaced by G.
Protein change: p.Pro418=; no amino-acid change (proline 418 retained).
Molecular consequence: synonymous variant.
Genome position (GRCh38, 1-based): chr1:6,471,515, G>C on the plus strand (C>G on the coding strand, the complement: PLEKHG5 is on the minus strand). VCF-style: chr1-6471515-G-C. GRCh37 (hg19) VCF-style: chr1-6531575-G-C.
Other names: p.Pro418=; c.1365C>G, p.Pro455= (NM_001042663.3, NM_001265592.2); c.1254C>G, p.Pro418= (NM_001042664.2, NM_001042665.2, NM_001265594.3 and 1 more transcripts); c.1461C>G, p.Pro487= (NM_001265593.2); c.1254C>G (NM_020631.5).
Identifiers: ClinVar variation 281726 (VCV000281726.58), dbSNP rs139904931, ClinGen allele CA561591.